The following is an entry in ClinVar:

ClinVar aggregate classification (germline): Uncertain significance. Review status: criteria provided, multiple submitters, no conflicts (2 of 4 stars). 2 submissions from 2 submitters: Uncertain significance (2). Last evaluated 2024-11-05.

Conditions:
Cardiovascular phenotype. Identifiers: MedGen CN230736.
Dilated cardiomyopathy 1KK (CMD1KK). Identifiers: Orphanet 154, Orphanet 75249, MedGen C3714995, MONDO:0014100, OMIM 615248.

Allele frequency attached by ClinVar (database versions not stated): TOPMed below 0.00001; ESP Exome Variant Server 0.00008.
gnomAD v4.1: 3 of 1,614,174 alleles (0.00019%); highest among the groups gnomAD compares: Non-Finnish European, 0.00025%; no homozygotes.

Submissions (2):

Ambry Genetics
Classification: Uncertain significance for Cardiovascular phenotype. Last evaluated: 2024-11-05. Review status: criteria provided, single submitter. Criteria: Ambry Variant Classification Scheme 2023. Collection method: clinical testing. Allele origin: germline.
Comment: The p.I1196V variant (also known as c.3586A>G), located in coding exon 17 of the MYPN gene, results from an A to G substitution at nucleotide position 3586. The isoleucine at codon 1196 is replaced by valine, an amino acid with highly similar properties. This amino acid position is conserved. In addition, this alteration is predicted to be tolerated by in silico analysis. Based on the available evidence, the clinical significance of this variant remains unclear.

Labcorp Genetics (formerly Invitae), Labcorp
Classification: Uncertain significance for Dilated cardiomyopathy 1KK. Last evaluated: 2022-07-11. Review status: criteria provided, single submitter. Criteria: Invitae Variant Classification Sherloc (09022015). Collection method: clinical testing. Allele origin: germline.
Comment: In summary, the available evidence is currently insufficient to determine the role of this variant in disease. Therefore, it has been classified as a Variant of Uncertain Significance. Algorithms developed to predict the effect of sequence changes on RNA splicing suggest that this variant may create or strengthen a splice site. Algorithms developed to predict the effect of missense changes on protein structure and function output the following: SIFT: "Tolerated"; PolyPhen-2: "Benign"; Align-GVGD: "Class C0". The valine amino acid residue is found in multiple mammalian species, which suggests that this missense change does not adversely affect protein function. ClinVar contains an entry for this variant (Variation ID: 1059285). This variant has not been reported in the literature in individuals affected with MYPN-related conditions. This variant is not present in population databases (gnomAD no frequency). This sequence change replaces isoleucine, which is neutral and non-polar, with valine, which is neutral and non-polar, at codon 1196 of the MYPN protein (p.Ile1196Val).

NM_032578.4(MYPN):c.3586A>G (p.Ile1196Val)

Gene: MYPN (myopalladin; plus strand). Cytogenetic location: 10q21.3.
Variant type: single nucleotide variant.
Coding change: c.3586A>G on transcript NM_032578.4 (MANE Select); coding-DNA position 3586, A replaced by G.
Protein change: p.Ile1196Val; replaces isoleucine 1196 with valine.
Molecular consequence: missense variant. On other transcripts: non-coding transcript variant (2).
Genome position (GRCh38, 1-based): chr10:68,201,921, A>G. VCF-style: chr10-68201921-A-G. GRCh37 (hg19) VCF-style: chr10-69961678-A-G.
Other names: c.3586A>G (NM_032578.2); c.3586A>G, p.Ile1196Val (NM_001256267.2); c.2704A>G, p.Ile902Val (NM_001256268.2); short protein forms I1196V, I902V.
Identifiers: ClinVar variation 1059285 (VCV001059285.8), dbSNP rs375595742, ClinGen allele CA208228106.